The following is an entry in ClinVar:

ClinVar aggregate classification (germline): Uncertain significance. Review status: criteria provided, multiple submitters, no conflicts (2 of 4 stars). 2 submissions from 2 submitters: Uncertain significance (2). Last evaluated 2025-01-19.

Conditions:
Inborn genetic diseases. Identifiers: MedGen C0950123, MeSH D030342.

Submissions (2):

Ambry Genetics
Classification: Uncertain significance for Inborn genetic diseases. Last evaluated: 2025-01-19. Review status: criteria provided, single submitter. Criteria: Ambry Variant Classification Scheme 2023. Collection method: clinical testing. Allele origin: germline.
Comment: The p.K655Q variant (also known as c.1963A>C), located in coding exon 17 of the KDM1A gene, results from an A to C substitution at nucleotide position 1963. The lysine at codon 655 is replaced by glutamine, an amino acid with similar properties. This amino acid position is conserved. In addition, the in silico prediction for this alteration is inconclusive. Based on the available evidence, the clinical significance of this variant remains unclear.

GeneDx
Classification: Uncertain significance. Last evaluated: 2024-12-06. Review status: criteria provided, single submitter. Criteria: GeneDx Variant Classification Process June 2021. Collection method: clinical testing. Allele origin: germline. Affected: yes.
Comment: Not observed at significant frequency in large population cohorts (gnomAD); In silico analysis supports that this missense variant has a deleterious effect on protein structure/function; Has not been previously published as pathogenic or benign to our knowledge

NM_001009999.3(KDM1A):c.1963A>C (p.Lys655Gln)

Gene: KDM1A (lysine demethylase 1A; plus strand). Cytogenetic location: 1p36.12.
Variant type: single nucleotide variant.
Coding change: c.1963A>C on transcript NM_001009999.3 (MANE Select); coding-DNA position 1963, A replaced by C.
Protein change: p.Lys655Gln; replaces lysine 655 with glutamine.
Molecular consequence: missense variant.
Genome position (GRCh38, 1-based): chr1:23,079,085, A>C. VCF-style: chr1-23079085-A-C. GRCh37 (hg19) VCF-style: chr1-23405578-A-C.
Other names: c.1909A>C, p.Lys637Gln (NM_001363654.2); c.1969A>C, p.Lys657Gln (NM_001410762.1); c.1891A>C, p.Lys631Gln (NM_001410763.1, NM_015013.4); short protein forms K637Q, K655Q, K631Q, K657Q.
Identifiers: ClinVar variation 3863281 (VCV003863281.2).